The following is an entry in ClinVar:

NM_004415.4(DSP):c.557A>G (p.His186Arg)

Gene: DSP (desmoplakin; plus strand). Cytogenetic location: 6p24.3.
Variant type: single nucleotide variant.
Coding change: c.557A>G on transcript NM_004415.4 (MANE Select); coding-DNA position 557, A replaced by G.
Protein change: p.His186Arg; replaces histidine 186 with arginine.
Molecular consequence: missense variant.
Genome position (GRCh38, 1-based): chr6:7,559,360, A>G. VCF-style: chr6-7559360-A-G. GRCh37 (hg19) VCF-style: chr6-7559593-A-G.
Other names: c.557A>G (LRG_423t1); c.557A>G, p.His186Arg (NM_001008844.3, NM_001319034.2); short protein forms H186R.
Identifiers: ClinVar variation 580472 (VCV000580472.10), dbSNP rs1033990351, ClinGen allele CA133951217.
Genomic context (GRCh38, chr6:7,559,360, plus strand): 5'-CCAAGGGTGGTGGAGGCTACACTTGTCAGAGTGGCTCTGGCTGGGATGAGTTCACCAAAC[A>G]TGTCACCAGTGAATGTTTGGGGTGGATGAGGCAGCAAAGGGTAAGCAGCTTCTTGAACAG-3'
Protein context (NP_004406.2, residues 176-196): SGSGWDEFTK[His186Arg]VTSECLGWMR

ClinVar aggregate classification (germline): Conflicting classifications of pathogenicity. Review status: criteria provided, conflicting classifications (1 of 4 stars). 2 submissions from 2 submitters: Uncertain significance (1); Likely benign (1). Last evaluated 2025-09-09.

Conditions:
Cardiomyopathy (CMYO). Also called: Cardiomyopathies. Identifiers: Orphanet 167848, MedGen C0878544, MONDO:0004994, HP:0001638. Inheritance: Various modes of inheritance.
Arrhythmogenic cardiomyopathy with wooly hair and keratoderma. Also called: Dilated cardiomyopathy with woolly hair and keratoderma; Arrhythmogenic cardiomyopathy with woolly hair and keratoderma; Carvajal syndrome; PALMOPLANTAR KERATODERMA WITH LEFT VENTRICULAR CARDIOMYOPATHY AND WOOLLY HAIR. Identifiers: Orphanet 65282, MedGen C1854063, MONDO:0011581, OMIM 605676.
Arrhythmogenic right ventricular dysplasia 8 (ARVD8). Also called: ARRHYTHMOGENIC RIGHT VENTRICULAR DYSPLASIA, FAMILIAL, 8; ARRHYTHMOGENIC RIGHT VENTRICULAR CARDIOMYOPATHY 8; Arrhythmogenic Right Ventricular Dysplasia/Cardiomyopathy 8. Identifiers: MedGen C1843896, MONDO:0011831, OMIM 607450.

Allele frequency attached by ClinVar (database versions not stated): TOPMed 0.00001.
gnomAD v4.1: 11 of 1,613,360 alleles (0.00068%); highest among the groups gnomAD compares: African/African-American, 0.0013%; no homozygotes.

Submissions (2):

Color Diagnostics, LLC DBA Color Health
Classification: Likely benign for Cardiomyopathy. Last evaluated: 2025-09-09. Review status: criteria provided, single submitter. Criteria: ACMG Guidelines, 2015. Collection method: clinical testing. Allele origin: germline.

Labcorp Genetics (formerly Invitae), Labcorp
Classification: Uncertain significance for Arrhythmogenic cardiomyopathy with wooly hair and keratoderma; Arrhythmogenic right ventricular dysplasia 8. Last evaluated: 2022-03-02. Review status: criteria provided, single submitter. Criteria: Invitae Variant Classification Sherloc (09022015). Collection method: clinical testing. Allele origin: germline.
Comment: This sequence change replaces histidine, which is basic and polar, with arginine, which is basic and polar, at codon 186 of the DSP protein (p.His186Arg). In summary, the available evidence is currently insufficient to determine the role of this variant in disease. Therefore, it has been classified as a Variant of Uncertain Significance. Algorithms developed to predict the effect of missense changes on protein structure and function output the following: SIFT: "Tolerated"; PolyPhen-2: "Benign"; Align-GVGD: "Class C0". The arginine amino acid residue is found in multiple mammalian species, which suggests that this missense change does not adversely affect protein function. ClinVar contains an entry for this variant (Variation ID: 580472). This variant has not been reported in the literature in individuals affected with DSP-related conditions. This variant is not present in population databases (gnomAD no frequency).